The following is an entry in ClinVar:

NM_001388459.1(FRMPD3):c.5172G>A (p.Gln1724=)

Gene: FRMPD3 (FERM and PDZ domain containing 3; plus strand). Cytogenetic location: Xq22.3.
Variant type: single nucleotide variant.
Coding change: c.5172G>A on transcript NM_001388459.1 (MANE Select); coding-DNA position 5172, G replaced by A.
Protein change: p.Gln1724=; no amino-acid change (glutamine 1724 retained).
Molecular consequence: synonymous variant.
Genome position (GRCh38, 1-based): chrX:107,603,211, G>A. VCF-style: chrX-107603211-G-A. GRCh37 (hg19) VCF-style: chrX-106846441-G-A.
Other names: c.4767G>A, p.Gln1589= (NM_001388462.1); c.5271G>A, p.Gln1757= (NM_032428.2).
Identifiers: ClinVar variation 3024949 (VCV003024949.22), dbSNP rs987338612, ClinGen allele CA333074945.

ClinVar aggregate classification (germline): Likely benign (1 of 4 stars; one submission).

Submission:

CeGaT Center for Human Genetics Tuebingen
Classification: Likely benign. Last evaluated: 2024-02-01. Review status: criteria provided, single submitter. Criteria: CeGaT Center For Human Genetics Tuebingen Variant Classification Criteria Version 2. Collection method: clinical testing. Allele origin: germline. Affected: yes. Observed: 1 variant allele.
Comment: FRMPD3: PM2:Supporting, BP4, BP7